The following is an entry in ClinVar:

NM_001371246.1(SCN2A):c.685T>G (p.Ser229Ala)

Gene: SCN2A (sodium voltage-gated channel alpha subunit 2; plus strand). Cytogenetic location: 2q24.3.
Variant type: single nucleotide variant.
Coding change: c.685T>G on transcript NM_001371246.1 (MANE Plus Clinical); coding-DNA position 685, T replaced by G.
Protein change: p.Ser229Ala; replaces serine 229 with alanine.
Molecular consequence: missense variant. On other transcripts: intron variant (3).
Genome position (GRCh38, 1-based): chr2:165,309,244, T>G. VCF-style: chr2-165309244-T-G. GRCh37 (hg19) VCF-style: chr2-166165754-T-G.
Other names: c.685T>G, p.Ser229Ala (NM_001040143.2); c.606-108T>G (NM_001040142.2, NM_001371247.1, NM_021007.3); short protein forms S229A.
Identifiers: ClinVar variation 2629647 (VCV002629647.1), dbSNP rs2467886115, ClinGen allele CA349017174.

ClinVar aggregate classification (germline): Uncertain significance (1 of 4 stars; one submission).

Conditions:
SCN2A-related disorder. Also called: SCN2A-related condition; SCN2A-related disorders. Identifiers: MedGen CN382226, MONDO:1060245.

Submission:

PreventionGenetics, part of Exact Sciences
Classification: Uncertain significance for SCN2A-related condition. Last evaluated: 2022-12-21. Review status: criteria provided, single submitter. Criteria: ACMG Guidelines, 2015. Collection method: clinical testing. Allele origin: germline.
Comment: The SCN2A c.685T>G variant is predicted to result in the amino acid substitution p.Ser229Ala. To our knowledge, this variant has not been reported in the literature or in a large population database, indicating this variant is rare. At this time, the clinical significance of this variant is uncertain due to the absence of conclusive functional and genetic evidence.